The following is an entry in ClinVar:

ClinVar aggregate classification (germline): Uncertain significance (1 of 4 stars; one submission).

Conditions:
Immunodeficiency 19 (IMD19). Also called: CD3-DELTA DEFICIENCY; SEVERE COMBINED IMMUNODEFICIENCY, T CELL-NEGATIVE, B CELL-POSITIVE, NK CELL-POSITIVE; SCID, T CELL-NEGATIVE, B CELL-POSITIVE, NK CELL-POSITIVE; IMMUNODEFICIENCY 19, SEVERE COMBINED. Identifiers: MedGen C3810147, MONDO:0014280, OMIM 615617.

Submission:

Labcorp Genetics (formerly Invitae), Labcorp
Classification: Uncertain significance for Immunodeficiency 19. Last evaluated: 2019-05-29. Review status: criteria provided, single submitter. Criteria: Invitae Variant Classification Sherloc (09022015). Collection method: clinical testing. Allele origin: germline.
Comment: This sequence change replaces arginine with glycine at codon 153 of the CD3D protein (p.Arg153Gly). The arginine residue is highly conserved and there is a moderate physicochemical difference between arginine and glycine. This variant is not present in population databases (ExAC no frequency). This variant has not been reported in the literature in individuals with CD3D-related disease. Algorithms developed to predict the effect of missense changes on protein structure and function output the following: SIFT: "Tolerated"; PolyPhen-2: "Possibly Damaging"; Align-GVGD: "Class C0". The glycine amino acid residue is found in multiple mammalian species, suggesting that this missense change does not adversely affect protein function. These predictions have not been confirmed by published functional studies and their clinical significance is uncertain. In summary, the available evidence is currently insufficient to determine the role of this variant in disease. Therefore, it has been classified as a Variant of Uncertain Significance.

NM_000732.6(CD3D):c.457C>G (p.Arg153Gly)

Gene: CD3D (CD3 delta subunit of T-cell receptor complex; minus strand). Cytogenetic location: 11q23.3.
Variant type: single nucleotide variant.
Coding change: c.457C>G on transcript NM_000732.6 (MANE Select); coding-DNA position 457, C replaced by G.
Protein change: p.Arg153Gly; replaces arginine 153 with glycine.
Molecular consequence: missense variant.
Genome position (GRCh38, 1-based): chr11:118,339,221, G>C on the plus strand (C>G on the coding strand, the complement: CD3D is on the minus strand). VCF-style: chr11-118339221-G-C. GRCh37 (hg19) VCF-style: chr11-118209936-G-C.
Other names: c.325C>G, p.Arg109Gly (NM_001040651.2); short protein forms R109G, R153G.
Identifiers: ClinVar variation 653087 (VCV000653087.2), dbSNP rs201994476, ClinGen allele CA382787805.
Genomic context (GRCh38, chr11:118,339,221, plus strand): 5'-TTCACTTGTTCCGAGCCCAGTTTCCTCCAAGGTGGCTGTACTGAGCATCATCTCGATCTC[G>C]GAGGGGCTAAGAGAGGAGAAGAGAAAACGGTCAGGAGGCAGGGTTAGAACTCTTCAAGGA-3'
Protein context (NP_000723.1, residues 143-163): LRNDQVYQPL[Arg153Gly]DRDDAQYSHL